The following is an entry in ClinVar:

NM_001267550.2(TTN):c.58167C>G (p.His19389Gln)

Genes: TTN (titin; minus strand), TTN-AS1 (TTN antisense RNA 1; plus strand). Cytogenetic location: 2q31.2.
Variant type: single nucleotide variant.
Coding change: c.58167C>G on transcript NM_001267550.2 (MANE Select); coding-DNA position 58167, C replaced by G.
Protein change: p.His19389Gln; replaces histidine 19389 with glutamine.
Molecular consequence: missense variant.
Genome position (GRCh38, 1-based): chr2:178,594,226, G>C on the plus strand (C>G on the coding strand, the complement: TTN is on the minus strand). VCF-style: chr2-178594226-G-C. GRCh37 (hg19) VCF-style: chr2-179458953-G-C.
Other names: c.53244C>G, p.His17748Gln (NM_001256850.1); c.30972C>G, p.His10324Gln (NM_003319.4); c.50463C>G, p.His16821Gln (NM_133378.4); c.31347C>G, p.His10449Gln (NM_133432.3); c.31548C>G, p.His10516Gln (NM_133437.4); short protein forms H10324Q, H10449Q, H10516Q, H16821Q, H17748Q, H19389Q.
Identifiers: ClinVar variation 3905546 (VCV003905546.11).

ClinVar aggregate classification (germline): Uncertain significance. Review status: criteria provided, multiple submitters, no conflicts (2 of 4 stars). 2 submissions from 2 submitters: Uncertain significance (2). Last evaluated 2025-06-01.

Conditions:
TTN-related disorder. Also called: TTN-related condition; TTN-related disease; TTN-related disorders.

gnomAD v4.1: 41 of 1,613,024 alleles (0.0025%); highest among the groups gnomAD compares: Non-Finnish European, 0.0034%; no homozygotes.

Submissions (2):

CeGaT Center for Human Genetics Tuebingen
Classification: Uncertain significance. Last evaluated: 2025-06-01. Review status: criteria provided, single submitter. Criteria: CeGaT Center For Human Genetics Tuebingen Variant Classification Criteria Version 2. Collection method: clinical testing. Allele origin: germline. Affected: yes. Observed: 1 variant allele.
Comment: TTN: PM2, BP4

PreventionGenetics, part of Exact Sciences
Classification: Uncertain significance for TTN-related condition. Last evaluated: 2025-04-30. Review status: criteria provided, single submitter. Criteria: ACMG Guidelines, 2015. Collection method: clinical testing. Allele origin: germline.
Comment: The TTN c.58167C>G variant is predicted to result in the amino acid substitution p.His19389Gln. To our knowledge, this variant has not been reported in the literature or in a large population database (gnomAD), indicating this variant is rare. At this time, the clinical significance of this variant is uncertain due to the absence of conclusive functional and genetic evidence.